The following is an entry in ClinVar:

ClinVar aggregate classification (germline): Uncertain significance. Review status: criteria provided, multiple submitters, no conflicts (2 of 4 stars). 2 submissions from 2 submitters: Uncertain significance (2). Last evaluated 2024-11-25.

Conditions:
Inborn genetic diseases. Identifiers: MedGen C0950123, MeSH D030342.
Fanconi anemia (FA). Also called: Fanconi's anemia. Identifiers: Orphanet 84, MedGen C0015625, MeSH D005199, MONDO:0019391.

Submissions (2):

Ambry Genetics
Classification: Uncertain significance for Inborn genetic diseases. Last evaluated: 2024-11-25. Review status: criteria provided, single submitter. Criteria: Ambry Variant Classification Scheme 2023. Collection method: clinical testing. Allele origin: germline.
Comment: The p.S681P variant (also known as c.2041T>C), located in coding exon 12 of the FANCM gene, results from a T to C substitution at nucleotide position 2041. The serine at codon 681 is replaced by proline, an amino acid with similar properties. This amino acid position is conserved. In addition, this alteration is predicted to be tolerated by in silico analysis. Based on the available evidence, the clinical significance of this variant remains unclear.

Labcorp Genetics (formerly Invitae), Labcorp
Classification: Uncertain significance for Fanconi anemia. Last evaluated: 2023-08-30. Review status: criteria provided, single submitter. Criteria: Invitae Variant Classification Sherloc (09022015). Collection method: clinical testing. Allele origin: germline.
Comment: In summary, the available evidence is currently insufficient to determine the role of this variant in disease. Therefore, it has been classified as a Variant of Uncertain Significance. An algorithm developed to predict the effect of missense changes on protein structure and function (PolyPhen-2) suggests that this variant is likely to be tolerated. This variant has not been reported in the literature in individuals affected with FANCM-related conditions. This variant is present in population databases (no rsID available, gnomAD 0.0009%). This sequence change replaces serine, which is neutral and polar, with proline, which is neutral and non-polar, at codon 681 of the FANCM protein (p.Ser681Pro).

NM_020937.4(FANCM):c.2041T>C (p.Ser681Pro)

Gene: FANCM (FA complementation group M; plus strand). Cytogenetic location: 14q21.2.
Variant type: single nucleotide variant.
Coding change: c.2041T>C on transcript NM_020937.4 (MANE Select); coding-DNA position 2041, T replaced by C.
Protein change: p.Ser681Pro; replaces serine 681 with proline.
Molecular consequence: missense variant.
Genome position (GRCh38, 1-based): chr14:45,170,627, T>C. VCF-style: chr14-45170627-T-C. GRCh37 (hg19) VCF-style: chr14-45639830-T-C.
Other names: c.1963T>C, p.Ser655Pro (NM_001308133.2); short protein forms S681P, S655P.
Identifiers: ClinVar variation 2776209 (VCV002776209.4), dbSNP rs1380253170, ClinGen allele CA389595925.